The following is an entry in ClinVar:

NM_014855.3(AP5Z1):c.1406C>T (p.Ala469Val)

Gene: AP5Z1 (adaptor related protein complex 5 subunit zeta 1; plus strand). Cytogenetic location: 7p22.1.
Variant type: single nucleotide variant.
Coding change: c.1406C>T on transcript NM_014855.3 (MANE Select); coding-DNA position 1406, C replaced by T.
Protein change: p.Ala469Val; replaces alanine 469 with valine.
Molecular consequence: missense variant. On other transcripts: non-coding transcript variant (1).
Genome position (GRCh38, 1-based): chr7:4,787,728, C>T. VCF-style: chr7-4787728-C-T. GRCh37 (hg19) VCF-style: chr7-4827359-C-T.
Other names: c.938C>T, p.Ala313Val (NM_001364858.1); short protein forms A313V, A469V.
Identifiers: ClinVar variation 2590532 (VCV002590532.3), dbSNP rs181396911, ClinGen allele CA4137791.
Genomic context (GRCh38, chr7:4,787,728, plus strand): 5'-AGTTTGTGGCGCTCCTCCCGGCCCTGGTGGACGCTGGCACAGCCCTGGAGATGCTGCACG[C>T]GCTGCTGGACCTGCCCTGCTTGACGGCGGTGCTGGACCTGCAGCTCAGGTGGGCCCCTCA-3'
Protein context (NP_055670.1, residues 459-479): DAGTALEMLH[Ala469Val]LLDLPCLTAV

ClinVar aggregate classification (germline): Uncertain significance. Review status: criteria provided, multiple submitters, no conflicts (2 of 4 stars). 2 submissions from 2 submitters: Uncertain significance (2). Last evaluated 2023-08-11.

Conditions:
Inborn genetic diseases. Identifiers: MedGen C0950123, MeSH D030342.

Allele frequency attached by ClinVar (database versions not stated): 1000 Genomes Project 30x 0.00016.
gnomAD v4.1: 42 of 1,548,340 alleles (0.0027%); highest among the groups gnomAD compares: South Asian, 0.013%; no homozygotes.

Submissions (2):

Ambry Genetics
Classification: Uncertain significance for Inborn genetic diseases. Last evaluated: 2023-08-11. Review status: criteria provided, single submitter. Criteria: Ambry Variant Classification Scheme 2023. Collection method: clinical testing. Allele origin: germline.

GeneDx
Classification: Uncertain significance. Last evaluated: 2023-04-17. Review status: criteria provided, single submitter. Criteria: GeneDx Variant Classification Process June 2021. Collection method: clinical testing. Allele origin: germline. Affected: yes.
Comment: Not observed at significant frequency in large population cohorts (gnomAD); In silico analysis supports that this missense variant does not alter protein structure/function; Has not been previously published as pathogenic or benign to our knowledge